The following is an entry in ClinVar:

NM_001110556.2(FLNA):c.1598T>C (p.Leu533Pro)

Gene: FLNA (filamin A; minus strand). Cytogenetic location: Xq28.
Variant type: single nucleotide variant.
Coding change: c.1598T>C on transcript NM_001110556.2 (MANE Select); coding-DNA position 1598, T replaced by C.
Protein change: p.Leu533Pro; replaces leucine 533 with proline.
Molecular consequence: missense variant.
Genome position (GRCh38, 1-based): chrX:154,365,229, A>G on the plus strand (T>C on the coding strand, the complement: FLNA is on the minus strand). VCF-style: chrX-154365229-A-G. GRCh37 (hg19) VCF-style: chrX-153593597-A-G.
Other names: c.1598T>C (NM_001456.3); c.1598T>C, p.Leu533Pro (NM_001456.4); short protein forms L533P.
Identifiers: ClinVar variation 2075153 (VCV002075153.5), dbSNP rs1196767195, ClinGen allele CA415243217.

ClinVar aggregate classification (germline): Conflicting classifications of pathogenicity. Review status: criteria provided, conflicting classifications (1 of 4 stars). 2 submissions from 2 submitters: Uncertain significance (1); Likely benign (1). Last evaluated 2025-12-30.

Conditions:
Oto-palato-digital syndrome, type II (OPD2). Also called: FACIOPALATOOSSEOUS SYNDROME; OPD II SYNDROME; Otopalatodigital Syndrome, Type II; Otopalatodigital Syndrome Type 2 (FLNA-OPD2). Identifiers: Orphanet 669, Orphanet 90652, MedGen C1844696, MONDO:0010571, OMIM 304120.
Frontometaphyseal dysplasia (FMD1). Identifiers: Orphanet 1826, MedGen C0265293, MONDO:0015942.
Melnick-Needles syndrome (MNS). Also called: MELNICK-NEEDLES OSTEODYSPLASTY; OSTEODYSPLASTY OF MELNICK AND NEEDLES; Melnick-Needles Syndrome (FLNA-MNS). Identifiers: Orphanet 2484, MedGen C0025237, MONDO:0010650, OMIM 309350.
Heterotopia, periventricular, X-linked dominant (PVNH1). Also called: PERIVENTRICULAR NODULAR HETEROTOPIA 1; PERIVENTRICULAR NODULAR HETEROTOPIA 4; HETEROTOPIA, PERIVENTRICULAR, 1; X-linked periventricular heterotopia. Identifiers: Orphanet 2149, Orphanet 82004, MedGen C1848213, MONDO:0010233, OMIM 300049.
Familial thoracic aortic aneurysm and aortic dissection (TAAD). Also called: Thoracic aortic aneurysms and dissections. Identifiers: Orphanet 91387, MedGen C4707243, MONDO:0019625.

Allele frequency attached by ClinVar (database versions not stated): gnomAD exomes 0.00001; gnomAD 0.00002; TOPMed 0.00003.
gnomAD v4.1: 10 of 1,210,466 alleles (0.00083%); highest among the groups gnomAD compares: Admixed American, 0.0087%; no homozygotes.

Submissions (2):

Ambry Genetics
Classification: Uncertain significance for Familial thoracic aortic aneurysm and aortic dissection. Last evaluated: 2025-12-30. Review status: criteria provided, single submitter. Criteria: Ambry Variant Classification Scheme 2023. Collection method: clinical testing. Allele origin: germline.
Comment: The p.L533P variant (also known as c.1598T>C), located in coding exon 10 of the FLNA gene, results from a T to C substitution at nucleotide position 1598. The leucine at codon 533 is replaced by proline, an amino acid with similar properties. This amino acid position is conserved. In addition, the in silico prediction for this alteration is inconclusive. Based on data from gnomAD, the C allele has an overall frequency of 0.0006% (1/181626) total alleles studied, with one hemizygote observed. The highest observed frequency was 0.0037% (1/27381) of Admixed American alleles. Based on the available evidence, the clinical significance of this variant remains unclear.

Labcorp Genetics (formerly Invitae), Labcorp
Classification: Likely benign for Oto-palato-digital syndrome, type II; Heterotopia, periventricular, X-linked dominant; Frontometaphyseal dysplasia; Melnick-Needles syndrome. Last evaluated: 2024-01-19. Review status: criteria provided, single submitter. Criteria: Invitae Variant Classification Sherloc (09022015). Collection method: clinical testing. Allele origin: germline.